The following is an entry in ClinVar:

NM_014014.5(SNRNP200):c.3946G>T (p.Ala1316Ser)

Gene: SNRNP200 (small nuclear ribonucleoprotein U5 subunit 200; minus strand). Cytogenetic location: 2q11.2.
Variant type: single nucleotide variant.
Coding change: c.3946G>T on transcript NM_014014.5 (MANE Select); coding-DNA position 3946, G replaced by T.
Protein change: p.Ala1316Ser; replaces alanine 1316 with serine.
Molecular consequence: missense variant.
Genome position (GRCh38, 1-based): chr2:96,286,368, C>A on the plus strand (G>T on the coding strand, the complement: SNRNP200 is on the minus strand). VCF-style: chr2-96286368-C-A. GRCh37 (hg19) VCF-style: chr2-96952106-C-A.
Other names: short protein forms A1316S.
Identifiers: ClinVar variation 1953976 (VCV001953976.5), dbSNP rs767345815, ClinGen allele CA1778344.
Genomic context (GRCh38, chr2:96,286,368, plus strand): 5'-TACCCTGGGTCTGGATGGGATTGAAGAAAGGAAATTTATCTTGGTAAAGACTCTCAAAGG[C>A]ACTGTTTCTCAGAGCAGACACGGGCAAGGGCTGCAGGTCCAAAAGTTCGGTTGGAGGGGG-3'
Protein context (NP_054733.2, residues 1306-1326): PLPVSALRNS[Ala1316Ser]FESLYQDKFP

ClinVar aggregate classification (germline): Uncertain significance (1 of 4 stars; one submission).

Allele frequency attached by ClinVar (database versions not stated): gnomAD exomes below 0.00001; TOPMed below 0.00001; ExAC 0.00001.
gnomAD v4.1: 4 of 1,614,182 alleles (0.00025%); highest among the groups gnomAD compares: Admixed American, 0.0017%; no homozygotes.

Submission:

Labcorp Genetics (formerly Invitae), Labcorp
Classification: Uncertain significance. Last evaluated: 2022-08-10. Review status: criteria provided, single submitter. Criteria: Invitae Variant Classification Sherloc (09022015). Collection method: clinical testing. Allele origin: germline.
Comment: In summary, the available evidence is currently insufficient to determine the role of this variant in disease. Therefore, it has been classified as a Variant of Uncertain Significance. Algorithms developed to predict the effect of missense changes on protein structure and function (SIFT, PolyPhen-2, Align-GVGD) all suggest that this variant is likely to be tolerated. This variant has not been reported in the literature in individuals affected with SNRNP200-related conditions. This variant is present in population databases (rs767345815, gnomAD 0.0009%). This sequence change replaces alanine, which is neutral and non-polar, with serine, which is neutral and polar, at codon 1316 of the SNRNP200 protein (p.Ala1316Ser).